The following is an entry in ClinVar:

NM_000355.4(TCN2):c.940+3A>G

Gene: TCN2 (transcobalamin 2; plus strand). Cytogenetic location: 22q12.2.
Variant type: single nucleotide variant.
Coding change: c.940+3A>G on transcript NM_000355.4 (MANE Select); 3 bases into the intron after coding-DNA position 940, A replaced by G.
Molecular consequence: intron variant.
Genome position (GRCh38, 1-based): chr22:30,615,790, A>G. VCF-style: chr22-30615790-A-G. GRCh37 (hg19) VCF-style: chr22-31011777-A-G.
Other names: c.859+3A>G (NM_001184726.2).
Identifiers: ClinVar variation 1435695 (VCV001435695.4), dbSNP rs780965553, ClinGen allele CA10184888.

ClinVar aggregate classification (germline): Uncertain significance (1 of 4 stars; one submission).

Conditions:
Transcobalamin II deficiency (TCN2D). Also called: Transcolabamin II deficiency; TC II DEFICIENCY; TCN2 DEFICIENCY. Identifiers: Orphanet 859, MedGen C0342701, MONDO:0010149, OMIM 275350.

Allele frequency attached by ClinVar (database versions not stated): gnomAD exomes below 0.00001; ExAC 0.00001.
gnomAD v4.1: 7 of 1,614,202 alleles (0.00043%); highest among the groups gnomAD compares: Non-Finnish European, 0.00059%; no homozygotes.

Submission:

Labcorp Genetics (formerly Invitae), Labcorp
Classification: Uncertain significance for Transcobalamin II deficiency. Last evaluated: 2025-10-21. Review status: criteria provided, single submitter. Criteria: Invitae Variant Classification Sherloc (09022015). Collection method: clinical testing. Allele origin: germline.
Comment: This sequence change falls in intron 6 of the TCN2 gene. It does not directly change the encoded amino acid sequence of the TCN2 protein. It affects a nucleotide within the consensus splice site. This variant is present in population databases (rs780965553, gnomAD 0.0009%). This variant has not been reported in the literature in individuals affected with TCN2-related conditions. ClinVar contains an entry for this variant (Variation ID: 1435695). Variants that disrupt the consensus splice site are a relatively common cause of aberrant splicing (PMID: 17576681, 9536098). Algorithms developed to predict the effect of sequence changes on RNA splicing suggest that this variant may disrupt the consensus splice site. In summary, the available evidence is currently insufficient to determine the role of this variant in disease. Therefore, it has been classified as a Variant of Uncertain Significance.

Literature cited by the submitters: PubMed 17576681; PubMed 9536098.